The following is an entry in ClinVar:

ClinVar aggregate classification (germline): Uncertain significance (1 of 4 stars; one submission).

Submission:

GeneDx
Classification: Uncertain significance. Last evaluated: 2022-08-18. Review status: criteria provided, single submitter. Criteria: GeneDx Variant Classification Process June 2021. Collection method: clinical testing. Allele origin: germline. Affected: yes.
Comment: Not observed at significant frequency in large population cohorts (gnomAD); Has not been previously published as pathogenic or benign to our knowledge; In-silico analysis is inconclusive as to whether the variant alters gene splicing. In the absence of RNA/functional studies, the actual effect of this sequence change is unknown.

NM_004830.4(MED23):c.1221+4A>T

Gene: MED23 (mediator complex subunit 23; minus strand). Cytogenetic location: 6q23.2.
Variant type: single nucleotide variant.
Coding change: c.1221+4A>T on transcript NM_004830.4 (MANE Select); 4 bases into the intron after coding-DNA position 1221, A replaced by T.
Molecular consequence: intron variant.
Genome position (GRCh38, 1-based): chr6:131,607,924, T>A on the plus strand (A>T on the coding strand, the complement: MED23 is on the minus strand). VCF-style: chr6-131607924-T-A. GRCh37 (hg19) VCF-style: chr6-131929064-T-A.
Other names: c.1221+4A>T (NM_001270521.2, NM_001376524.1, NM_001376522.1 and 3 more transcripts); c.1239+4A>T (NM_015979.4, NM_001376517.1); c.1167+4A>T (NM_001376518.1); c.966+4A>T (NM_001376523.1); c.1080+4A>T (NM_001376520.1).
Identifiers: ClinVar variation 2430398 (VCV002430398.1), dbSNP rs2482695556, ClinGen allele CA2580075008.